The following is an entry in ClinVar:

NM_000245.4(MET):c.1792T>A (p.Leu598Ile)

Gene: MET (MET proto-oncogene, receptor tyrosine kinase; plus strand). Cytogenetic location: 7q31.2.
Variant type: single nucleotide variant.
Coding change: c.1792T>A on transcript NM_000245.4 (MANE Select); coding-DNA position 1792, T replaced by A.
Protein change: p.Leu598Ile; replaces leucine 598 with isoleucine.
Molecular consequence: missense variant.
Genome position (GRCh38, 1-based): chr7:116,755,445, T>A. VCF-style: chr7-116755445-T-A. GRCh37 (hg19) VCF-style: chr7-116395499-T-A.
Other names: c.1792T>A, p.Leu598Ile (NM_001127500.3, NM_001324401.3); c.502T>A, p.Leu168Ile (NM_001324402.2); short protein forms L168I, L598I.
Identifiers: ClinVar variation 2567681 (VCV002567681.3), dbSNP rs2116910042, ClinGen allele CA368977949.

ClinVar aggregate classification (germline): Uncertain significance (1 of 4 stars; one submission).

Conditions:
Hereditary cancer-predisposing syndrome. Also called: Hereditary neoplastic syndrome; Hereditary Cancer Syndrome; Neoplastic Syndromes, Hereditary; Tumor predisposition. Identifiers: Orphanet 140162, MedGen C0027672, MeSH D009386, MONDO:0015356.

Submission:

Ambry Genetics
Classification: Uncertain significance for Hereditary cancer-predisposing syndrome. Last evaluated: 2025-07-06. Review status: criteria provided, single submitter. Criteria: Ambry Variant Classification Scheme 2023. Collection method: clinical testing. Allele origin: germline.
Comment: The p.L598I variant (also known as c.1792T>A), located in coding exon 5 of the MET gene, results from a T to A substitution at nucleotide position 1792. The leucine at codon 598 is replaced by isoleucine, an amino acid with highly similar properties. This amino acid position is conserved. In addition, this alteration is predicted to be tolerated by in silico analysis. Since supporting evidence is limited at this time, the clinical significance of this alteration remains unclear.